The following is an entry in ClinVar:

NM_001018113.3(FANCB):c.1105-4T>C

Gene: FANCB (FA complementation group B; minus strand). Cytogenetic location: Xp22.2.
Variant type: single nucleotide variant.
Coding change: c.1105-4T>C on transcript NM_001018113.3 (MANE Select); 4 bases into the intron before coding-DNA position 1105, T replaced by C.
Molecular consequence: intron variant.
Genome position (GRCh38, 1-based): chrX:14,857,958, A>G on the plus strand (T>C on the coding strand, the complement: FANCB is on the minus strand). VCF-style: chrX-14857958-A-G. GRCh37 (hg19) VCF-style: chrX-14876080-A-G.
Other names: c.1105-4T>C (NM_001324162.2, NM_152633.4).
Identifiers: ClinVar variation 1692527 (VCV001692527.1), dbSNP rs2147425181, ClinGen allele CA2573158396.
Genomic context (GRCh38, chrX:14,857,958, plus strand): 5'-ACGATTCTCTTGTTTGTCTTCAAATAAGTCATCTTCATTGCAATCTGATGGTTCACTCTA[A>G]TAAATAAATAAATAAATAAATACACTAAGACTGAAATTTTGCAACAATTGAAAATTCACA-3'

ClinVar aggregate classification (germline): Uncertain significance (1 of 4 stars; one submission).

Conditions:
Fanconi anemia (FA). Also called: Fanconi's anemia. Identifiers: Orphanet 84, MedGen C0015625, MeSH D005199, MONDO:0019391.

Submission:

Sema4
Classification: Uncertain significance for Fanconi anemia. Last evaluated: 2021-05-03. Review status: criteria provided, single submitter. Criteria: Sema4 Curation Guidelines. Collection method: curation. Allele origin: germline.
Comment: The FANCB c.1105-4T>C variant has not been reported in the literature to our knowledge. It was not observed in the large and broad cohorts of the Genome Aggregation Database (PMID: 32461654) and has not been reported in ClinVar. In silico tools suggest the variant does not impact splicing, though these predictions have not been confirmed by functional studies. The evidence is insufficient to meet ACMG/AMP criteria for classifying the variant as benign or pathogenic. Thus, the clinical significance of this variant is currently uncertain.